The following is an entry in ClinVar:

ClinVar aggregate classification (germline): Uncertain significance (1 of 4 stars; one submission).

Submission:

Labcorp Genetics (formerly Invitae), Labcorp
Classification: Uncertain significance. Last evaluated: 2023-01-13. Review status: criteria provided, single submitter. Criteria: Invitae Variant Classification Sherloc (09022015). Collection method: clinical testing. Allele origin: germline.
Comment: In summary, the available evidence is currently insufficient to determine the role of this variant in disease. Therefore, it has been classified as a Variant of Uncertain Significance. Advanced modeling of protein sequence and biophysical properties (such as structural, functional, and spatial information, amino acid conservation, physicochemical variation, residue mobility, and thermodynamic stability) performed at Invitae indicates that this missense variant is expected to disrupt CLCN7 protein function. This variant has not been reported in the literature in individuals affected with CLCN7-related conditions. This variant is not present in population databases (gnomAD no frequency). This sequence change replaces aspartic acid, which is acidic and polar, with histidine, which is basic and polar, at codon 282 of the CLCN7 protein (p.Asp282His).

NM_001287.6(CLCN7):c.844G>C (p.Asp282His)

Gene: CLCN7 (chloride voltage-gated channel 7; minus strand). Cytogenetic location: 16p13.3.
Variant type: single nucleotide variant.
Coding change: c.844G>C on transcript NM_001287.6 (MANE Select); coding-DNA position 844, G replaced by C.
Protein change: p.Asp282His; replaces aspartic acid 282 with histidine.
Molecular consequence: missense variant.
Genome position (GRCh38, 1-based): chr16:1,456,185, C>G on the plus strand (G>C on the coding strand, the complement: CLCN7 is on the minus strand). VCF-style: chr16-1456185-C-G. GRCh37 (hg19) VCF-style: chr16-1506186-C-G.
Other names: c.772G>C, p.Asp258His (NM_001114331.3); short protein forms D282H, D258H.
Identifiers: ClinVar variation 2827847 (VCV002827847.3), dbSNP rs1415631084, ClinGen allele CA394190439.